The following is an entry in ClinVar:

NM_004614.5(TK2):c.173A>G (p.Asn58Ser)

Gene: TK2 (thymidine kinase 2; minus strand). Cytogenetic location: 16q21.
Variant type: single nucleotide variant.
Coding change: c.173A>G on transcript NM_004614.5 (MANE Select); coding-DNA position 173, A replaced by G.
Protein change: p.Asn58Ser; replaces asparagine 58 with serine.
Molecular consequence: missense variant. On other transcripts: 5 prime UTR variant (1), non-coding transcript variant (1), intron variant (1).
Genome position (GRCh38, 1-based): chr16:66,541,937, T>C on the plus strand (A>G on the coding strand, the complement: TK2 is on the minus strand). VCF-style: chr16-66541937-T-C. GRCh37 (hg19) VCF-style: chr16-66575840-T-C.
Other names: c.80A>G, p.Asn27Ser (NM_001172643.1, NM_001271935.1); c.173A>G, p.Asn58Ser (NM_001172645.2); c.26A>G, p.Asn9Ser (NM_001271934.2); c.-119A>G (NM_001272050.2); c.157-4920A>G (NM_001172644.2); short protein forms N58S, N27S, N9S.
Identifiers: ClinVar variation 38978 (VCV000038978.65), dbSNP rs138439950, ClinGen allele CA343291.

ClinVar aggregate classification (germline): Pathogenic/Likely pathogenic. Review status: criteria provided, multiple submitters, no conflicts (2 of 4 stars). 8 submissions from 8 submitters: Pathogenic (7); Likely pathogenic (1). Last evaluated 2026-09-23.

Conditions:
TK2-related disorder. Also called: TK2-related condition.
Mitochondrial DNA depletion syndrome 2, myopathic form.
Mitochondrial DNA depletion syndrome, myopathic form (MTDPS2). Also called: MITOCHONDRIAL DNA DEPLETION MYOPATHY, TK2-RELATED; MITOCHONDRIAL DNA DEPLETION SYNDROME 2 (MYOPATHIC TYPE); TK2-Related Mitochondrial DNA Maintenance Defect, Myopathic Form. Identifiers: Orphanet 254875, MedGen C3149750, MONDO:0012301, OMIM 609560.
Progressive external ophthalmoplegia with mitochondrial DNA deletions, autosomal recessive 3 (PEOB3). Also called: PROGRESSIVE EXTERNAL OPHTHALMOPLEGIA, AUTOSOMAL RECESSIVE 3. Identifiers: Orphanet 254886, MedGen C4310734, MONDO:0014898, OMIM 617069.
Mitochondrial DNA depletion syndrome. Also called: mitochondrial DNA depletion. Identifiers: Orphanet 35698, MedGen C0342782, MONDO:0018158.
Mitochondrial disease. Also called: Mitochondrial disorders; Mitochondrial disorder. Identifiers: Orphanet 68380, MedGen C0751651, MeSH D028361, MONDO:0044970.

Allele frequency attached by ClinVar (database versions not stated): gnomAD 0.00001; TOPMed 0.00002; gnomAD exomes 0.00004; ExAC 0.00005; ESP Exome Variant Server 0.00008.
gnomAD v4.1: 34 of 1,614,018 alleles (0.0021%); highest among the groups gnomAD compares: Admixed American, 0.013%; no homozygotes.

Submissions (8):

GeneDx
Classification: Pathogenic. Last evaluated: 2026-09-23. Review status: criteria provided, single submitter. Criteria: GeneDx Variant Classification Process June 2021. Collection method: clinical testing. Allele origin: germline.
Comment: In silico analysis supports that this missense variant has a deleterious effect on protein structure/function; This variant is associated with the following publications: (PMID: 25215937, 24516753, 18508266, 23932787, 29735374, 29602790, 33087887, 30183064, 40089535, Mohamed_2026, 40938277)

Labcorp Genetics (formerly Invitae), Labcorp
Classification: Pathogenic. Last evaluated: 2025-12-17. Review status: criteria provided, single submitter. Criteria: Invitae Variant Classification Sherloc (09022015). Collection method: clinical testing. Allele origin: germline.
Comment: This sequence change replaces asparagine, which is neutral and polar, with serine, which is neutral and polar, at codon 58 of the TK2 protein (p.Asn58Ser). This variant is present in population databases (rs138439950, gnomAD 0.02%). This missense change has been observed in individual(s) with mitochondrial DNA depletion syndrome (PMID: 18508266, 29735374). In at least one individual the data is consistent with being in trans (on the opposite chromosome) from a pathogenic variant. This variant is also known as p.N100S. ClinVar contains an entry for this variant (Variation ID: 38978). Invitae Evidence Modeling of protein sequence and biophysical properties (such as structural, functional, and spatial information, amino acid conservation, physicochemical variation, residue mobility, and thermodynamic stability) indicates that this missense variant is expected to disrupt TK2 protein function with a positive predictive value of 95%. For these reasons, this variant has been classified as Pathogenic.

Genomenon, Inc
Classification: Pathogenic for Mitochondrial disease. Last evaluated: 2025-11-24. Review status: criteria provided, single submitter. Criteria: Genomenon Sequence Variant Interpretation Standards - Updated. Collection method: curation. Allele origin: germline. Affected: yes.
Comment: TK2 p.Asn58Ser (c.173A>G) is a missense variant that changes the amino acid at residue 58 from Asparagine to Serine. It is also described as N100S in the literature. This variant has been observed in multiple probands affected with mitochondrial disease in both the homozygous and compound heterozygous state (40089535, 29735374, 33087887, 18508266) and was found to segregate with disease in multiple affected families (29735374, 33087887). This variant is not present at a significant frequency in gnomAD, and in silico models agree that this variant is possibly or probably damaging. In conclusion, we classify TK2 p.Asn58Ser (c.173A>G) as a pathogenic variant.

CeGaT Center for Human Genetics Tuebingen
Classification: Pathogenic. Last evaluated: 2025-10-01. Review status: criteria provided, single submitter. Criteria: CeGaT Center For Human Genetics Tuebingen Variant Classification Criteria Version 2. Collection method: clinical testing. Allele origin: germline. Affected: yes. Observed: 1 variant allele.
Comment: TK2: PM3:Very Strong, PM2, PP3

Dubai Health Genomic Medicine Center, Dubai Health
Classification: Likely pathogenic for Mitochondrial DNA depletion syndrome 2, myopathic form. Last evaluated: 2024-10-04. Review status: criteria provided, single submitter. Criteria: ACMG Guidelines, 2015. Collection method: research. Allele origin: germline. Affected: yes.
Comment: PM3(strong),PM2,PP3,PM1,PP2

Women's Health and Genetics/Laboratory Corporation of America, LabCorp
Classification: Pathogenic for Mitochondrial DNA depletion syndrome. Last evaluated: 2024-09-11. Review status: criteria provided, single submitter. Criteria: LabCorp Variant Classification Summary - May 2015. Collection method: clinical testing. Allele origin: germline.
Comment: Variant summary: TK2 c.173A>G (p.Asn58Ser), also known as N100S, results in a conservative amino acid change located in the Deoxynucleoside kinase domain (IPR031314) of the encoded protein sequence. Four of five in-silico tools predict a damaging effect of the variant on protein function. The variant allele was found at a frequency of 4.4e-05 in 251478 control chromosomes. This frequency is not significantly higher than estimated for a pathogenic variant in TK2 causing Mitochondrial DNA Depletion Syndrome - TK2 Related (4.4e-05 vs 0.0011). c.173A>G has been reported in the literature in the homozygous or presumed compound heterozygous state in multiple individuals affected with clinical features of Mitochondrial DNA Depletion Syndrome - TK2 Related (example, Garone_2018, Wang_2018). These data indicate that the variant is very likely to be associated with disease. At least one publication reports experimental evidence suggesting disturbed ribonucleotide incorporation ratios in mitochondrial DNA in a patient cell line, however, does not allow clear conclusions about the variant effect (example, Berglund_2017). The following publications have been ascertained in the context of this evaluation (PMID: 28207748, 29602790, 29735374). ClinVar contains an entry for this variant (Variation ID: 38978). Based on the evidence outlined above, the variant was classified as pathogenic.

Blueprint Genetics
Classification: Pathogenic for TK2-related disorders. Last evaluated: 2023-03-30. Review status: criteria provided, single submitter. Criteria: ACMG Guidelines, 2015. Collection method: clinical testing. Allele origin: germline. Affected: yes. Observed: 1 variant allele.

Fulgent Genetics
Classification: Pathogenic for Mitochondrial DNA depletion syndrome, myopathic form; Progressive external ophthalmoplegia with mitochondrial DNA deletions, autosomal recessive 3. Last evaluated: 2018-10-31. Review status: criteria provided, single submitter. Criteria: ACMG Guidelines, 2015. Collection method: clinical testing. Allele origin: unknown.

Literature cited by the submitters: PubMed 18508266 (cited by Labcorp Genetics (formerly Invitae), Labcorp and Genomenon, Inc); PubMed 29735374 (cited by 3 submitters); PubMed 40089535 (cited by Genomenon, Inc); PubMed 33087887 (cited by Genomenon, Inc); PubMed 29602790 (cited by Women's Health and Genetics/Laboratory Corporation of America, LabCorp); PubMed 28207748 (cited by Women's Health and Genetics/Laboratory Corporation of America, LabCorp).